The following is an entry in ClinVar:

ClinVar aggregate classification (germline): Uncertain significance (1 of 4 stars; one submission).

Submission:

CeGaT Center for Human Genetics Tuebingen
Classification: Uncertain significance. Last evaluated: 2026-02-01. Review status: criteria provided, single submitter. Criteria: CeGaT Center For Human Genetics Tuebingen Variant Classification Criteria Version 2. Collection method: clinical testing. Allele origin: germline. Affected: yes. Observed: 1 variant allele.
Comment: TSPOAP1: PM2

NM_004758.4(TSPOAP1):c.3798GGA[8] (p.Glu1274_Leu1275insGluGlu)

Gene: TSPOAP1 (TSPO associated protein 1; minus strand). Cytogenetic location: 17q22.
Variant type: Microsatellite.
Coding change: c.3798GGA[8] on transcript NM_004758.4 (MANE Select); eight copies in a row of the 3-base unit GGA starting at c.3798; the reference has six copies in a row; two copies, 6 bases duplicated.
Protein change: p.Glu1274_Leu1275insGluGlu.
Molecular consequence: inframe insertion.
Genome position (GRCh38, 1-based): chr17:58,310,043-58,310,048, TCCTCC duplicated on the plus strand (GGAGGA on the coding strand, the reverse complement: TSPOAP1 is on the minus strand); duplicating any 6 consecutive bases within chr17:58,310,043-58,310,062 gives the same sequence; the position shown is the placement nearest the transcript's 3' end. VCF-style (leftmost placement, unchanged base first): chr17-58310042-T-TTCCTCC. GRCh37 (hg19) VCF-style: chr17-56387403-T-TTCCTCC.
Other names: c.3798GGA[8], p.Glu1274_Leu1275insGluGlu (NM_001261835.2); c.3618GGA[8], p.Glu1214_Leu1215insGluGlu (NM_024418.3).
Identifiers: ClinVar variation 4822392 (VCV004822392.4).
Genomic context (GRCh38, chr17:58,310,042, plus strand): 5'-CCTGATGCTGTTGCCAGCAACCTGCTTCTGGAAGGAGCAAGTCCTGGAACCCAGCTCCTC[T>TTCCTCC]TCCTCCTCCTCCTCCTCCTCTTCCTCTTCCTCCTGGATGTCTGACAGGTCTGAGTTGCGG-3'